The following is an entry in ClinVar:

NM_024675.4(PALB2):c.736A>T (p.Thr246Ser)

Gene: PALB2 (partner and localizer of BRCA2; minus strand). Cytogenetic location: 16p12.2.
Variant type: single nucleotide variant.
Coding change: c.736A>T on transcript NM_024675.4 (MANE Select); coding-DNA position 736, A replaced by T.
Protein change: p.Thr246Ser; replaces threonine 246 with serine.
Molecular consequence: missense variant.
Genome position (GRCh38, 1-based): chr16:23,635,810, T>A on the plus strand (A>T on the coding strand, the complement: PALB2 is on the minus strand). VCF-style: chr16-23635810-T-A. GRCh37 (hg19) VCF-style: chr16-23647131-T-A.
Other names: short protein forms T246S.
Identifiers: ClinVar variation 481033 (VCV000481033.17), dbSNP rs1555461659, ClinGen allele CA395136241.
Genomic context (GRCh38, chr16:23,635,810, plus strand): 5'-GAATGTGTTCAAGGTGCTGACTACTACCGCTATCTGATAGAGTCTGTAAAGGAACTGTAG[T>A]CGCCCTGGTGAAATTAGGTCTTCTTAGGAATGTATCAACACCTTTTTCTGGTTGGGCAGT-3'
Protein context (NP_078951.2, residues 236-256): FLRRPNFTRA[Thr246Ser]TVPLQTLSDS

ClinVar aggregate classification (germline): Conflicting classifications of pathogenicity. Review status: criteria provided, conflicting classifications (1 of 4 stars). 5 submissions from 5 submitters: Uncertain significance (4); Likely benign (1). Last evaluated 2025-11-24.

Conditions:
Hereditary cancer-predisposing syndrome. Also called: Hereditary Cancer Syndrome; Neoplastic Syndromes, Hereditary; Tumor predisposition; Hereditary neoplastic syndrome. Identifiers: Orphanet 140162, MedGen C0027672, MeSH D009386, MONDO:0015356.
Familial cancer of breast. Also called: BREAST CANCER, FAMILIAL; Hereditary breast cancer; hereditary breast carcinoma. Identifiers: Orphanet 227535, MedGen C0346153, MONDO:0016419, OMIM 114480. Disease mechanism: loss of function.

Allele frequency attached by ClinVar (database versions not stated): gnomAD exomes below 0.00001.

Submissions (5):

Labcorp Genetics (formerly Invitae), Labcorp
Classification: Uncertain significance for Familial cancer of breast. Last evaluated: 2025-11-24. Review status: criteria provided, single submitter. Criteria: Invitae Variant Classification Sherloc (09022015). Collection method: clinical testing. Allele origin: germline.
Comment: This sequence change replaces threonine, which is neutral and polar, with serine, which is neutral and polar, at codon 246 of the PALB2 protein (p.Thr246Ser). This variant is not present in population databases (gnomAD no frequency). This variant has not been reported in the literature in individuals affected with PALB2-related conditions. ClinVar contains an entry for this variant (Variation ID: 481033). An algorithm developed to predict the effect of missense changes on protein structure and function outputs the following: PolyPhen-2: "Benign". The serine amino acid residue is found in multiple mammalian species, which suggests that this missense change does not adversely affect protein function. In summary, the available evidence is currently insufficient to determine the role of this variant in disease. Therefore, it has been classified as a Variant of Uncertain Significance.

Ambry Genetics
Classification: Likely benign for Hereditary cancer-predisposing syndrome. Last evaluated: 2024-03-28. Review status: criteria provided, single submitter. Criteria: Ambry Variant Classification Scheme 2023. Collection method: clinical testing. Allele origin: germline.

Color Diagnostics, LLC DBA Color Health
Classification: Uncertain significance for Hereditary cancer-predisposing syndrome. Last evaluated: 2023-12-04. Review status: criteria provided, single submitter. Criteria: ACMG Guidelines, 2015. Collection method: clinical testing. Allele origin: germline.
Comment: This missense variant replaces threonine with serine at codon 246 of the PALB2 protein. Computational prediction suggests that this variant may not impact protein structure and function (internally defined REVEL score threshold <= 0.5, PMID: 27666373). To our knowledge, functional studies have not been reported for this variant. This variant has not been reported in individuals affected with PALB2-related disorders in the literature. This variant has not been identified in the general population by the Genome Aggregation Database (gnomAD). The available evidence is insufficient to determine the role of this variant in disease conclusively. Therefore, this variant is classified as a Variant of Uncertain Significance.

Baylor Genetics
Classification: Uncertain significance for Familial cancer of breast. Last evaluated: 2021-10-19. Review status: criteria provided, single submitter. Criteria: ACMG Guidelines, 2015. Collection method: clinical testing. Allele origin: unknown.

GeneDx
Classification: Uncertain significance. Last evaluated: 2019-10-21. Review status: criteria provided, single submitter. Criteria: GeneDx Variant Classification Process June 2021. Collection method: clinical testing. Allele origin: germline. Affected: yes.
Comment: Not observed in large population cohorts (Lek 2016); In silico analysis, which includes protein predictors and evolutionary conservation, supports that this variant does not alter protein structure/function; Has not been previously published as pathogenic or benign to our knowledge